The following is an entry in ClinVar:

ClinVar aggregate classification (germline): Uncertain significance (1 of 4 stars; one submission).

Allele frequency attached by ClinVar (database versions not stated): gnomAD exomes below 0.00001; gnomAD 0.00001; TOPMed 0.00001.
gnomAD v4.1: 6 of 1,614,006 alleles (0.00037%); highest among the groups gnomAD compares: African/African-American, 0.004%; no homozygotes.

Submission:

Labcorp Genetics (formerly Invitae), Labcorp
Classification: Uncertain significance. Last evaluated: 2021-09-01. Review status: criteria provided, single submitter. Criteria: Invitae Variant Classification Sherloc (09022015). Collection method: clinical testing. Allele origin: germline.
Comment: This sequence change replaces methionine with leucine at codon 2491 of the SZT2 protein (p.Met2491Leu). The methionine residue is highly conserved and there is a small physicochemical difference between methionine and leucine. This variant is not present in population databases (ExAC no frequency). This variant has not been reported in the literature in individuals affected with SZT2-related conditions. Algorithms developed to predict the effect of missense changes on protein structure and function (SIFT, PolyPhen-2, Align-GVGD) all suggest that this variant is likely to be tolerated. In summary, the available evidence is currently insufficient to determine the role of this variant in disease. Therefore, it has been classified as a Variant of Uncertain Significance.

NM_001365999.1(SZT2):c.7642A>C (p.Met2548Leu)

Gene: SZT2 (SZT2 subunit of KICSTOR complex; plus strand). Cytogenetic location: 1p34.2.
Variant type: single nucleotide variant.
Coding change: c.7642A>C on transcript NM_001365999.1 (MANE Select); coding-DNA position 7642, A replaced by C.
Protein change: p.Met2548Leu; replaces methionine 2548 with leucine.
Molecular consequence: missense variant.
Genome position (GRCh38, 1-based): chr1:43,441,718, A>C. VCF-style: chr1-43441718-A-C. GRCh37 (hg19) VCF-style: chr1-43907389-A-C.
Other names: c.7471A>C, p.Met2491Leu (NM_015284.4); short protein forms M2491L, M2548L.
Identifiers: ClinVar variation 849897 (VCV000849897.7), dbSNP rs1040898943, ClinGen allele CA21646457.